The following is an entry in ClinVar:

NM_014049.5(ACAD9):c.1224G>A (p.Arg408=)

Gene: ACAD9 (acyl-CoA dehydrogenase family member 9; plus strand). Cytogenetic location: 3q21.3.
Variant type: single nucleotide variant.
Coding change: c.1224G>A on transcript NM_014049.5 (MANE Select); coding-DNA position 1224, G replaced by A.
Protein change: p.Arg408=; no amino-acid change (arginine 408 retained).
Molecular consequence: synonymous variant. On other transcripts: non-coding transcript variant (1).
Genome position (GRCh38, 1-based): chr3:128,906,195, G>A. VCF-style: chr3-128906195-G-A. GRCh37 (hg19) VCF-style: chr3-128625038-G-A.
Identifiers: ClinVar variation 758865 (VCV000758865.11), dbSNP rs377252405, ClinGen allele CA2601436.

ClinVar aggregate classification (germline): Likely benign. Review status: criteria provided, multiple submitters, no conflicts (2 of 4 stars). 2 submissions from 2 submitters: Likely benign (2). Last evaluated 2025-08-10.

Conditions:
ACAD9-related disorder. Also called: ACAD9-related condition.

Allele frequency attached by ClinVar (database versions not stated): gnomAD exomes below 0.00001; ExAC 0.00001; gnomAD 0.00006; TOPMed 0.00006; ESP Exome Variant Server 0.00008.
gnomAD v4.1: 14 of 1,614,044 alleles (0.00087%); highest among the groups gnomAD compares: African/African-American, 0.012%; no homozygotes.

Submissions (2):

Labcorp Genetics (formerly Invitae), Labcorp
Classification: Likely benign. Last evaluated: 2025-08-10. Review status: criteria provided, single submitter. Criteria: Invitae Variant Classification Sherloc (09022015). Collection method: clinical testing. Allele origin: germline.

PreventionGenetics, part of Exact Sciences
Classification: Likely benign for ACAD9-related condition. Last evaluated: 2024-11-15. Review status: criteria provided, single submitter. Criteria: ACMG Guidelines, 2015. Collection method: clinical testing. Allele origin: germline.
Comment: This variant is classified as likely benign based on ACMG/AMP sequence variant interpretation guidelines (Richards et al. 2015 PMID: 25741868, with internal and published modifications).